The following is an entry in ClinVar:

ClinVar aggregate classification (germline): Uncertain significance (1 of 4 stars; one submission).

Conditions:
Colorectal cancer, susceptibility to, 12 (CRCS12). Also called: COLORECTAL CANCER, SUSCEPTIBILITY TO, ON CHROMOSOME 12q24. Identifiers: Orphanet 220460, MedGen C3554460, MONDO:0014038, OMIM 615083.

Submission:

Labcorp Genetics (formerly Invitae), Labcorp
Classification: Uncertain significance for Colorectal cancer, susceptibility to, 12. Last evaluated: 2019-04-19. Review status: criteria provided, single submitter. Criteria: Invitae Variant Classification Sherloc (09022015). Collection method: clinical testing. Allele origin: germline.
Comment: This variant is a gross deletion of the genomic region encompassing exons 13-49 of the POLE gene. The 5' boundary is likely confined to intron 12. The 3' end of this event is unknown as it extends through the termination codon beyond the assayed region for this gene and may encompass additional genes. While this deletion is not anticipated to result in nonsense mediated decay, it is expected to create a truncated protein product or disrupt mRNA translation. This variant has not been reported in the literature in individuals with POLE-related conditions. Missense variants that disrupt the 3'-5' exonuclease (proof-reading) activity of the POLE protein, while not abolishing its polymerase enzyme activity, are associated with an increased risk for colonic adenomatous polyps and colon cancer (PMID:¬†23263490,¬†23447401). Loss-of-function truncating variants, which result in an absent or severely disrupted POLE protein, are therefore unlikely to be associated with disease. Without further clinical and genetic evidence, however, this variant has been classified as a Variant of Uncertain Significance.

NC_000012.12:g.(?_132624687)_(132673717_?)del

Gene: POLE (DNA polymerase epsilon, catalytic subunit; minus strand). Cytogenetic location: 12q24.33.
Variant type: Deletion.
Identifiers: ClinVar variation 831253 (VCV000831253.4).